The following is an entry in ClinVar:

ClinVar aggregate classification (germline): Pathogenic/Likely pathogenic. Review status: criteria provided, multiple submitters, no conflicts (2 of 4 stars). 5 submissions from 5 submitters: Pathogenic (2); Likely pathogenic (3). Last evaluated 2026-09-13.

Conditions:
ADAMTS18-related disorder. Also called: ADAMTS18-related condition.
Microcornea-myopic chorioretinal atrophy. Also called: Microcornea, myopic chorioretinal atrophy, and telecanthus. Identifiers: Orphanet 369970, MedGen C3809567, MONDO:0014195, OMIM 615458.
Retinal disorder. Also called: Retinopathies; Retinal Diseases; Retinal disorders; Retinopathy. Identifiers: MedGen C0035309, MONDO:0005283, HP:0000488.

Allele frequency attached by ClinVar (database versions not stated): ExAC 0.00003; gnomAD exomes 0.00009 and 0.00026; TOPMed 0.00009; gnomAD 0.00011 and 0.00013; ESP Exome Variant Server 0.00015.
gnomAD v4.1: 385 of 1,613,994 alleles (0.024%); highest among the groups gnomAD compares: Non-Finnish European, 0.032%; no homozygotes.

Submissions (5):

PreventionGenetics, part of Exact Sciences
Classification: Likely pathogenic for ADAMTS18-related condition. Last evaluated: 2026-09-13. Review status: criteria provided, single submitter. Criteria: ACMG Guidelines, 2015. Collection method: clinical testing. Allele origin: germline.
Comment: The ADAMTS18 c.3380G>A variant is predicted to result in premature protein termination (p.Trp1127*). To our knowledge, this variant has not been reported in the literature in individuals affected with ADAMTS18-related disorders. This variant is reported in 0.017% of alleles in individuals of European (Non-Finnish) descent in gnomAD. Nonsense variants in ADAMTS18 are expected to be pathogenic. This variant is interpreted as likely pathogenic.

Labcorp Genetics (formerly Invitae), Labcorp
Classification: Pathogenic. Last evaluated: 2025-10-27. Review status: criteria provided, single submitter. Criteria: Invitae Variant Classification Sherloc (09022015). Collection method: clinical testing. Allele origin: germline.
Comment: This sequence change creates a premature translational stop signal (p.Trp1127*) in the ADAMTS18 gene. It is expected to result in an absent or disrupted protein product. Loss-of-function variants in ADAMTS18 are known to be pathogenic (PMID: 23818446, 24874986). This variant is present in population databases (rs139516327, gnomAD 0.02%). This variant has not been reported in the literature in individuals affected with ADAMTS18-related conditions. ClinVar contains an entry for this variant (Variation ID: 1069609). Algorithms developed to predict the effect of sequence changes on RNA splicing suggest that this variant may disrupt the consensus splice site. For these reasons, this variant has been classified as Pathogenic.

Genetics Laboratory, Great Ormond Street Hospital NHS Foundation Trust, North Thames Genomic Laboratory Hub
Classification: Pathogenic for Retinal disorders. Last evaluated: 2025-10-17. Review status: criteria provided, single submitter. Criteria: ACGS Best Practice Guidelines for Variant Classification in Rare Disease 2024 v1.2. Collection method: clinical testing. Allele origin: germline. Affected: yes.
Comment: PM2_moderate, PVS1_very-strong

Blueprint Genetics
Classification: Likely pathogenic for ADAMTS18-related disorders. Last evaluated: 2024-10-03. Review status: criteria provided, single submitter. Criteria: ACMG Guidelines, 2015. Collection method: clinical testing. Allele origin: germline. Affected: yes. Observed: 5 variant alleles.

Revvity Omics, Revvity
Classification: Likely pathogenic for Microcornea-myopic chorioretinal atrophy. Last evaluated: 2021-08-24. Review status: criteria provided, single submitter. Criteria: ACMG Guidelines, 2015. Collection method: clinical testing. Allele origin: germline.

Literature cited by the submitters: PubMed 23818446 (cited by Labcorp Genetics (formerly Invitae), Labcorp); PubMed 24874986 (cited by Labcorp Genetics (formerly Invitae), Labcorp).

NM_199355.4(ADAMTS18):c.3380G>A (p.Trp1127Ter)

Gene: ADAMTS18 (ADAM metallopeptidase with thrombospondin type 1 motif 18; minus strand). Cytogenetic location: 16q23.1.
Variant type: single nucleotide variant.
Coding change: c.3380G>A on transcript NM_199355.4 (MANE Select); coding-DNA position 3380, G replaced by A.
Protein change: p.Trp1127Ter; replaces tryptophan 1127 with a stop codon.
Molecular consequence: nonsense.
Genome position (GRCh38, 1-based): chr16:77,291,288, C>T on the plus strand (G>A on the coding strand, the complement: ADAMTS18 is on the minus strand). VCF-style: chr16-77291288-C-T. GRCh37 (hg19) VCF-style: chr16-77325185-C-T.
Other names: c.3380G>A (NM_199355.3); c.2864G>A, p.Trp955Ter (NM_001326358.2); short protein forms W1127*, W955*.
Identifiers: ClinVar variation 1069609 (VCV001069609.13), dbSNP rs139516327, ClinGen allele CA8180481.